The following is an entry in ClinVar:

ClinVar aggregate classification (germline): Uncertain significance (1 of 4 stars; one submission).

Allele frequency attached by ClinVar (database versions not stated): gnomAD 0.00001; gnomAD exomes 0.00001; TOPMed 0.00001.
gnomAD v4.1: 14 of 1,434,290 alleles (0.00098%); highest among the groups gnomAD compares: African/African-American, 0.0014%; no homozygotes.

Submission:

Athena Diagnostics
Classification: Uncertain significance. Last evaluated: 2023-02-17. Review status: criteria provided, single submitter. Criteria: Athena Diagnostics Criteria. Collection method: clinical testing. Allele origin: unknown.
Comment: Available data are insufficient to determine the clinical significance of the variant at this time. The frequency of this variant in the general population is uninformative in assessment of its pathogenicity. Computational tools yielded predictions that this variant is unlikely to have an effect on normal RNA splicing.

NM_014053.4(FLVCR1):c.-7C>T

Gene: FLVCR1 (FLVCR choline and heme transporter 1; plus strand). Cytogenetic location: 1q32.3.
Variant type: single nucleotide variant.
Coding change: c.-7C>T on transcript NM_014053.4 (MANE Select); 7 bases upstream of the start codon, C replaced by T.
Molecular consequence: 5 prime UTR variant.
Genome position (GRCh38, 1-based): chr1:212,858,446, C>T. VCF-style: chr1-212858446-C-T. GRCh37 (hg19) VCF-style: chr1-213031788-C-T.
Identifiers: ClinVar variation 585883 (VCV000585883.2), dbSNP rs1323079807, ClinGen allele CA529001358.